The following is an entry in ClinVar:

ClinVar aggregate classification (germline): Uncertain significance (1 of 4 stars; one submission).

Submission:

Ambry Genetics
Classification: Uncertain significance. Last evaluated: 2025-08-19. Review status: criteria provided, single submitter. Criteria: Ambry Variant Classification Scheme 2023. Collection method: clinical testing. Allele origin: germline.
Comment: The p.G25C variant (also known as c.73G>T), located in coding exon 1 of the WNK2 gene, results from a G to T substitution at nucleotide position 73. The glycine at codon 25 is replaced by cysteine, an amino acid with highly dissimilar properties. This amino acid position is conserved. In addition, this alteration is predicted to be tolerated by in silico analysis. Based on the available evidence, the clinical significance of this variant remains unclear.

NM_006648.4(WNK2):c.73G>T (p.Gly25Cys)

Gene: WNK2 (WNK lysine deficient protein kinase 2; plus strand). Cytogenetic location: 9q22.31.
Variant type: single nucleotide variant.
Coding change: c.73G>T on transcript NM_006648.4 (MANE Select); coding-DNA position 73, G replaced by T.
Protein change: p.Gly25Cys; replaces glycine 25 with cysteine.
Molecular consequence: missense variant.
Genome position (GRCh38, 1-based): chr9:93,185,002, G>T. VCF-style: chr9-93185002-G-T. GRCh37 (hg19) VCF-style: chr9-95947284-G-T.
Other names: c.73G>T, p.Gly25Cys (NM_001282394.3); short protein forms G25C.
Identifiers: ClinVar variation 4201777 (VCV004201777.1).
Genomic context (GRCh38, chr9:93,185,002, plus strand): 5'-GGCGGCCGCCGAGACGTCCCCGGCACGCTGATGGAGCCCGGGCGCGGCGCGGGGCCCGCG[G>T]GCATGGCGGAGCCTCGGGCGAAGGCGGCGCGGCCGGGGCCCCAGCGCTTTCTGCGGCGCA-3'
Protein context (NP_006639.3, residues 15-35): MEPGRGAGPA[Gly25Cys]MAEPRAKAAR